The following is an entry in ClinVar:

NM_000302.4(PLOD1):c.359C>G (p.Ala120Gly)

Gene: PLOD1 (procollagen-lysine,2-oxoglutarate 5-dioxygenase 1; plus strand). Cytogenetic location: 1p36.22.
Variant type: single nucleotide variant.
Coding change: c.359C>G on transcript NM_000302.4 (MANE Select); coding-DNA position 359, C replaced by G.
Protein change: p.Ala120Gly; replaces alanine 120 with glycine.
Molecular consequence: missense variant.
Genome position (GRCh38, 1-based): chr1:11,950,413, C>G. VCF-style: chr1-11950413-C-G. GRCh37 (hg19) VCF-style: chr1-12010470-C-G.
Other names: c.500C>G, p.Ala167Gly (NM_001316320.2); short protein forms A167G, A120G.
Identifiers: ClinVar variation 4139854 (VCV004139854.1).

ClinVar aggregate classification (germline): Uncertain significance (1 of 4 stars; one submission).

Conditions:
Familial thoracic aortic aneurysm and aortic dissection (TAAD). Also called: Thoracic aortic aneurysms and dissections. Identifiers: Orphanet 91387, MedGen C4707243, MONDO:0019625.

Submission:

Ambry Genetics
Classification: Uncertain significance for Familial thoracic aortic aneurysm and aortic dissection. Last evaluated: 2025-09-04. Review status: criteria provided, single submitter. Criteria: Ambry Variant Classification Scheme 2023. Collection method: clinical testing. Allele origin: germline.
Comment: The p.A120G variant (also known as c.359C>G), located in coding exon 4 of the PLOD1 gene, results from a C to G substitution at nucleotide position 359. The alanine at codon 120 is replaced by glycine, an amino acid with similar properties. This amino acid position is conserved. In addition, this alteration is predicted to be tolerated by in silico analysis. Based on the available evidence, the clinical significance of this variant remains unclear.